The following is an entry in ClinVar:

NM_000755.5(CRAT):c.962G>A (p.Arg321His)

Gene: CRAT (carnitine O-acetyltransferase; minus strand). Cytogenetic location: 9q34.11.
Variant type: single nucleotide variant.
Coding change: c.962G>A on transcript NM_000755.5 (MANE Select); coding-DNA position 962, G replaced by A.
Protein change: p.Arg321His; replaces arginine 321 with histidine.
Molecular consequence: missense variant.
Genome position (GRCh38, 1-based): chr9:129,100,533, C>T on the plus strand (G>A on the coding strand, the complement: CRAT is on the minus strand). VCF-style: chr9-129100533-C-T. GRCh37 (hg19) VCF-style: chr9-131862812-C-T.
Other names: CRAT, ARG321HIS (rs138665095); c.899G>A, p.Arg300His (NM_001257363.3, NM_001346548.2, NM_004003.4); c.965G>A, p.Arg322His (NM_001346546.2); c.962G>A, p.Arg321His (NM_001346547.2); c.842G>A, p.Arg281His (NM_001346549.2); short protein forms R321H, R281H, R300H, R322H.
Identifiers: ClinVar variation 503495 (VCV000503495.10), dbSNP rs138665095, ClinGen allele CA5275561.

ClinVar aggregate classification (germline): Conflicting classifications of pathogenicity. Review status: criteria provided, conflicting classifications (1 of 4 stars). 5 submissions from 5 submitters: Pathogenic (1); Likely pathogenic (1); Uncertain significance (2). 1 of the submissions does not count toward it. Last evaluated 2024-08-04.

Conditions:
Neurodegeneration with brain iron accumulation 8. Identifiers: MedGen C4693587, MONDO:0054764, OMIM 617917.
Neurodegeneration with brain iron accumulation (NBIA). Identifiers: Orphanet 385, MedGen C2931845, MONDO:0018307.

Allele frequency attached by ClinVar (database versions not stated): gnomAD 0.00001; gnomAD exomes 0.00002 and 0.00006; TOPMed 0.00002; ExAC 0.00004; ESP Exome Variant Server 0.00008.
gnomAD v4.1: 27 of 1,613,384 alleles (0.0017%); highest among the groups gnomAD compares: East Asian, 0.042%; no homozygotes.

Submissions (5):

Labcorp Genetics (formerly Invitae), Labcorp
Classification: Uncertain significance. Last evaluated: 2024-08-04. Review status: criteria provided, single submitter. Criteria: Invitae Variant Classification Sherloc (09022015). Collection method: clinical testing. Allele origin: germline.
Comment: This sequence change replaces arginine, which is basic and polar, with histidine, which is basic and polar, at codon 321 of the CRAT protein (p.Arg321His). This variant is present in population databases (rs138665095, gnomAD 0.08%), and has an allele count higher than expected for a pathogenic variant. This missense change has been observed in individual(s) with CRAT-related conditions (PMID: 29395073, 34085946). ClinVar contains an entry for this variant (Variation ID: 503495). Advanced modeling of protein sequence and biophysical properties (such as structural, functional, and spatial information, amino acid conservation, physicochemical variation, residue mobility, and thermodynamic stability) performed at Invitae indicates that this missense variant is expected to disrupt CRAT protein function with a positive predictive value of 80%. In summary, the available evidence is currently insufficient to determine the role of this variant in disease. Therefore, it has been classified as a Variant of Uncertain Significance.

Pittsburgh Clinical Genomics Laboratory, University of Pittsburgh Medical Center
Classification: Uncertain significance for Neurodegeneration with brain iron accumulation 8. Last evaluated: 2022-11-23. Review status: criteria provided, single submitter. Criteria: ACMG Guidelines, 2015. Collection method: clinical testing. Allele origin: germline. Inheritance: Autosomal recessive inheritance. Affected: yes.
Comment: This sequence variant is a single nucleotide substitution (G>A) at coding position 962 of the CRAT gene that results in an arginine to histidine amino acid change at residue 321 of the CRAT protein. This is a previously reported variant (ClinVar) that has been oberved in individuals with neurodegeneration with brain iron accumulation in the literature (PMID: 29395073, 34085946). This variant is observed in the gnomAD population dataset (17 alleles of 280566 or 0.006%). Bioinformatic tools predict that this variant would be damaging, and the Arg321 residue is highly conserved across the mammalian species examined. Functiol studies testing the effect of this variant suggest that it elimites protein expression and reduces the levels of very long chain fatty acids (PMID: 29395073). At this time there is insufficient evidence to determine if this variant is pathogenic or benign. Therefore, we consider this to be a variant of uncertain significance. ACMG Criteria: PM2, PP3, PS3

Equipe Genetique des Anomalies du Developpement, Université de Bourgogne
Classification: Likely pathogenic for Neurodegeneration with brain iron accumulation 8. Last evaluated: 2018-10-29. Review status: criteria provided, single submitter. Criteria: ACMG Guidelines, 2015. Collection method: clinical testing. Allele origin: inherited. Affected: yes.
Comment: Observed as a homozygote.

Institut IMAGINE, Institut National de la Sante et de la Recherche Medicale
Classification: Pathogenic for Neurodegeneration with brain iron accumulation. Last evaluated: 2016-05-02. Review status: criteria provided, single submitter. Criteria: Submitter's publication. Collection method: research, in vitro. Allele origin: germline, not applicable. Inheritance: Autosomal recessive inheritance. Affected: yes. Observed: 1 homozygote.
Comment: The homozygous c.962G>A variant (p.Arg321His) in CRAT is a rare SNP (rs138665095, ExAc: A=0.0042%) that has never been reported to be homozygous in the control population. It alters a highly conserved amino acid residue. The variant was absent from 110 NBIA subject and 200 control chromosomes.

OMIM
Classification: Pathogenic for NEURODEGENERATION WITH BRAIN IRON ACCUMULATION 8 (1 patient). Last evaluated: 2018-03-27. Review status: no assertion criteria provided. Collection method: literature only. Allele origin: germline. Not counted in ClinVar's aggregate classification.

Literature cited by the submitters: PubMed 29395073 (cited by 3 submitters); PubMed 34085946 (cited by Labcorp Genetics (formerly Invitae), Labcorp and Pittsburgh Clinical Genomics Laboratory, University of Pittsburgh Medical Center).